The following is an entry in ClinVar:

ClinVar aggregate classification (germline): Likely pathogenic (1 of 4 stars; one submission).

Conditions:
Interstitial lung disease due to ABCA3 deficiency. Also called: PULMONARY ALVEOLAR PROTEINOSIS, CONGENITAL, 3. Identifiers: Orphanet 440402, MedGen C1970456, MONDO:0012582, OMIM 610921.

Submission:

Juno Genomics, Hangzhou Juno Genomics, Inc
Classification: Likely pathogenic for Interstitial lung disease due to ABCA3 deficiency. Review status: criteria provided, single submitter. Criteria: ACMG Guidelines, 2015. Collection method: clinical testing. Allele origin: germline.
Comment: Null variant in a gene where loss of function (LOF) is a known mechanism of disease.;Absent from controls (or at extremely low frequency if recessive) in Genome Aggregation Database.

NM_001089.3(ABCA3):c.4703del (p.Ile1568fs)

Gene: ABCA3 (ATP binding cassette subfamily A member 3; minus strand). Cytogenetic location: 16p13.3.
Variant type: Deletion.
Coding change: c.4703del on transcript NM_001089.3 (MANE Select); coding-DNA position 4703, one base deleted (T; older notation c.4703delT).
Protein change: p.Ile1568fs; shifts the reading frame from isoleucine 1568.
Molecular consequence: frameshift variant.
Genome position (GRCh38, 1-based): chr16:2,278,303, A deleted on the plus strand (T on the coding strand, the reverse complement: ABCA3 is on the minus strand). VCF-style (leftmost placement, unchanged base first): chr16-2278302-GA-G. GRCh37 (hg19) VCF-style: chr16-2328303-GA-G.
Other names: short protein forms I1568fs.
Identifiers: ClinVar variation 5005549 (VCV005005549.2).
Genomic context (GRCh38, chr16:2,278,302, plus strand): 5'-CCACCCGGTGCTGAAACTTCCAGTAACCCACAGACCCAGGCTCTACCTGTGGGAGGTGAT[GA>G]TGATGGCCTTGCCAGACTCTCGGGCTCGTGCCACGGTGTCCCAAAGCAGGCGCCGGGCCA-3'